The following is an entry in ClinVar:

ClinVar aggregate classification (germline): Uncertain significance (1 of 4 stars; one submission).

Submission:

GeneDx
Classification: Uncertain significance. Last evaluated: 2024-05-16. Review status: criteria provided, single submitter. Criteria: GeneDx Variant Classification Process June 2021. Collection method: clinical testing. Allele origin: germline. Affected: yes.
Comment: Frameshift variant predicted to result in protein truncation or nonsense mediated decay in a gene or region of a gene for which loss of function is not a well-established mechanism of disease; Not observed at significant frequency in large population cohorts (gnomAD); Has not been previously published as pathogenic or benign to our knowledge

NM_001128840.3(CACNA1D):c.157del (p.Trp53fs)

Gene: CACNA1D (calcium voltage-gated channel subunit alpha1 D; plus strand). Cytogenetic location: 3p21.1.
Variant type: Deletion.
Coding change: c.157del on transcript NM_001128840.3 (MANE Select); coding-DNA position 157, one base deleted (T; older notation c.157delT).
Protein change: p.Trp53fs; shifts the reading frame from tryptophan 53.
Molecular consequence: frameshift variant.
Genome position (GRCh38, 1-based): chr3:53,497,241, T deleted; the last of 2 consecutive T bases (chr3:53,497,240-53,497,241); deleting either gives the same sequence. VCF-style (leftmost placement, unchanged base first): chr3-53497239-CT-C. GRCh37 (hg19) VCF-style: chr3-53531266-CT-C.
Other names: c.157del, p.Trp53fs (NM_000720.4, NM_001128839.3); short protein forms W53fs.
Identifiers: ClinVar variation 3377960 (VCV003377960.1).